The following is an entry in ClinVar:

NM_021120.4(DLG3):c.1349_1350del (p.Ala450fs)

Genes: DLG3 (discs large MAGUK scaffold protein 3; plus strand), DLG3-AS1 (DLG3 antisense RNA 1; minus strand). Cytogenetic location: Xq13.1.
Variant type: Deletion.
Coding change: c.1349_1350del on transcript NM_021120.4 (MANE Select); coding-DNA positions 1349 to 1350, 2 bases deleted (CT; older notation c.1349_1350delCT).
Protein change: p.Ala450fs; shifts the reading frame from alanine 450.
Molecular consequence: frameshift variant.
Genome position (GRCh38, 1-based): chrX:70,454,260-70,454,261, CT deleted. VCF-style (leftmost placement, unchanged base first): chrX-70454259-GCT-G. GRCh37 (hg19) VCF-style: chrX-69674109-GCT-G.
Other names: c.338_339del, p.Ala113fs (NM_020730.3); short protein forms A113fs, A450fs.
Identifiers: ClinVar variation 3770157 (VCV003770157.1).

ClinVar aggregate classification (germline): Pathogenic (1 of 4 stars; one submission).

Conditions:
Intellectual developmental disorder, X-linked 90. Also called: DLG3-Related X-Linked Nonsyndromic Mental Retardation; Intellectual disability, X-linked 90. Identifiers: Orphanet 777, MedGen C3275443, MONDO:0010452, OMIM 300850.

Submission:

Equipe Genetique des Anomalies du Developpement, Université de Bourgogne
Classification: Pathogenic for Intellectual developmental disorder, X-linked 90. Last evaluated: 2025-01-31. Review status: criteria provided, single submitter. Criteria: ACMG Guidelines, 2015. Collection method: clinical testing. Allele origin: germline. Affected: yes.
Comment: This variant is a deletion predicted to result in a premature stop codon at position 468 and likely results in an absent protein product. It is present in a hemizygous state. Hemizygous pathogenic variants in DLG3 are reported in an autosomal dominant intellectual disability (OMIM #300850). This variant is not present in population database gnomAD (v4.1.0). It has not been reported in ClinVar and in the literature. Based on these evidences, the variant was classified as likely pathogenic.